The following is an entry in ClinVar:

ClinVar aggregate classification (germline): Uncertain significance (1 of 4 stars; one submission).

Allele frequency attached by ClinVar (database versions not stated): gnomAD 0.00001; gnomAD exomes 0.00001; TOPMed 0.00001; ExAC 0.00002; 1000 Genomes Project 30x 0.00016; 1000 Genomes Project 0.00020.
gnomAD v4.1: 9 of 1,607,294 alleles (0.00056%); highest among the groups gnomAD compares: Admixed American, 0.0033%; no homozygotes.

Submission:

Labcorp Genetics (formerly Invitae), Labcorp
Classification: Uncertain significance. Last evaluated: 2024-02-23. Review status: criteria provided, single submitter. Criteria: Invitae Variant Classification Sherloc (09022015). Collection method: clinical testing. Allele origin: germline.
Comment: This sequence change replaces asparagine, which is neutral and polar, with serine, which is neutral and polar, at codon 373 of the POGLUT1 protein (p.Asn373Ser). This variant is present in population databases (rs187183254, gnomAD 0.006%). This variant has not been reported in the literature in individuals affected with POGLUT1-related conditions. ClinVar contains an entry for this variant (Variation ID: 1924739). Advanced modeling of protein sequence and biophysical properties (such as structural, functional, and spatial information, amino acid conservation, physicochemical variation, residue mobility, and thermodynamic stability) performed at Invitae indicates that this missense variant is not expected to disrupt POGLUT1 protein function with a negative predictive value of 80%. In summary, the available evidence is currently insufficient to determine the role of this variant in disease. Therefore, it has been classified as a Variant of Uncertain Significance.

NM_152305.3(POGLUT1):c.1118A>G (p.Asn373Ser)

Gene: POGLUT1 (protein O-glucosyltransferase 1; plus strand). Cytogenetic location: 3q13.33.
Variant type: single nucleotide variant.
Coding change: c.1118A>G on transcript NM_152305.3 (MANE Select); coding-DNA position 1118, A replaced by G.
Protein change: p.Asn373Ser; replaces asparagine 373 with serine.
Molecular consequence: missense variant. On other transcripts: non-coding transcript variant (1).
Genome position (GRCh38, 1-based): chr3:119,492,377, A>G. VCF-style: chr3-119492377-A-G. GRCh37 (hg19) VCF-style: chr3-119211224-A-G.
Other names: c.1118A>G, p.Asn373Ser (NM_020231.3); short protein forms N373S.
Identifiers: ClinVar variation 1924739 (VCV001924739.5), dbSNP rs187183254, ClinGen allele CA2555054.
Genomic context (GRCh38, chr3:119,492,377, plus strand): 5'-ATGACATCACCTGTTACTGGGAGAACCTCTTGAGTGAATACTCTAAATTCCTGTCTTATA[A>G]TGTAACGAGAAGGAAAGGTTATGATCAAATTATTCCCAAAATGTTGAAAACTGAACTATA-3'
Protein context (NP_689518.1, residues 363-383): LSEYSKFLSY[Asn373Ser]VTRRKGYDQI